The following is an entry in ClinVar:

NM_018192.4(P3H2):c.313G>T (p.Ala105Ser)

Genes: P3H2 (prolyl 3-hydroxylase 2; minus strand), LOC129938149 (ATAC-STARR-seq lymphoblastoid silent region 14999; plus strand). Cytogenetic location: 3q28.
Variant type: single nucleotide variant.
Coding change: c.313G>T on transcript NM_018192.4 (MANE Select); coding-DNA position 313, G replaced by T.
Protein change: p.Ala105Ser; replaces alanine 105 with serine.
Molecular consequence: missense variant. On other transcripts: intron variant (1).
Genome position (GRCh38, 1-based): chr3:190,120,419, C>A on the plus strand (G>T on the coding strand, the complement: P3H2 is on the minus strand). VCF-style: chr3-190120419-C-A. GRCh37 (hg19) VCF-style: chr3-189838208-C-A.
Other names: c.-64+1784G>T (NM_001134418.2); short protein forms A105S.
Identifiers: ClinVar variation 845024 (VCV000845024.7), dbSNP rs200308609, ClinGen allele CA2753394.

ClinVar aggregate classification (germline): Conflicting classifications of pathogenicity. Review status: criteria provided, conflicting classifications (1 of 4 stars). 3 submissions from 3 submitters: Uncertain significance (2); Likely benign (1). Last evaluated 2024-12-12.

Conditions:
Inborn genetic diseases. Identifiers: MedGen C0950123, MeSH D030342.

Allele frequency attached by ClinVar (database versions not stated): TOPMed 0.00006.
gnomAD v4.1: 43 of 1,477,804 alleles (0.0029%); highest among the groups gnomAD compares: African/African-American, 0.019%; no homozygotes.

Submissions (3):

Labcorp Genetics (formerly Invitae), Labcorp
Classification: Uncertain significance. Last evaluated: 2024-12-12. Review status: criteria provided, single submitter. Criteria: Invitae Variant Classification Sherloc (09022015). Collection method: clinical testing. Allele origin: germline.
Comment: This sequence change replaces alanine, which is neutral and non-polar, with serine, which is neutral and polar, at codon 105 of the P3H2 protein (p.Ala105Ser). The frequency data for this variant in the population databases is considered unreliable, as metrics indicate poor data quality at this position in the gnomAD database. This variant has not been reported in the literature in individuals affected with P3H2-related conditions. ClinVar contains an entry for this variant (Variation ID: 845024). An algorithm developed to predict the effect of missense changes on protein structure and function outputs the following: PolyPhen-2: "Benign". The serine amino acid residue is found in multiple mammalian species, which suggests that this missense change does not adversely affect protein function. In summary, the available evidence is currently insufficient to determine the role of this variant in disease. Therefore, it has been classified as a Variant of Uncertain Significance.

Blueprint Genetics
Classification: Likely benign. Last evaluated: 2024-10-21. Review status: criteria provided, single submitter. Criteria: ACMG Guidelines, 2015. Collection method: clinical testing. Allele origin: germline.

Ambry Genetics
Classification: Uncertain significance for Inborn genetic diseases. Last evaluated: 2024-08-01. Review status: criteria provided, single submitter. Criteria: Ambry Variant Classification Scheme 2023. Collection method: clinical testing. Allele origin: germline.